The following is an entry in ClinVar:

ClinVar aggregate classification (germline): Benign. Review status: criteria provided, single submitter (1 of 4 stars). 2 submissions from 2 submitters: Benign (1). 1 of the submissions does not count toward it. Last evaluated 2025-12-21.

Conditions:
MACF1-related disorder. Also called: MACF1-related condition.

Allele frequency attached by ClinVar (database versions not stated): gnomAD exomes 0.00041; ExAC 0.00145; 1000 Genomes Project 0.00419; 1000 Genomes Project 30x 0.00468; ESP Exome Variant Server 0.00484; gnomAD 0.00498; TOPMed 0.00525.
gnomAD v4.1: 1,374 of 1,614,216 alleles (0.085%); highest among the groups gnomAD compares: African/African-American, 1.7%; 8 homozygotes.

Submissions (2):

Labcorp Genetics (formerly Invitae), Labcorp
Classification: Benign. Last evaluated: 2025-12-21. Review status: criteria provided, single submitter. Criteria: Invitae Variant Classification Sherloc (09022015). Collection method: clinical testing. Allele origin: germline.

PreventionGenetics, part of Exact Sciences
Classification: Benign for MACF1-related condition. Last evaluated: 2019-03-21. Review status: no assertion criteria provided. Collection method: clinical testing. Allele origin: germline. Not counted in ClinVar's aggregate classification.
Comment: This variant is classified as benign based on ACMG/AMP sequence variant interpretation guidelines (Richards et al. 2015 PMID: 25741868, with internal and published modifications).

NM_001394062.1(MACF1):c.20866A>G (p.Ile6956Val)

Gene: MACF1 (microtubule actin crosslinking factor 1; plus strand). Cytogenetic location: 1p34.3.
Variant type: single nucleotide variant.
Coding change: c.20866A>G on transcript NM_001394062.1 (MANE Select); coding-DNA position 20866, A replaced by G.
Protein change: p.Ile6956Val; replaces isoleucine 6956 with valine.
Molecular consequence: missense variant.
Genome position (GRCh38, 1-based): chr1:39,453,830, A>G. VCF-style: chr1-39453830-A-G. GRCh37 (hg19) VCF-style: chr1-39919502-A-G.
Other names: c.8944A>G, p.Ile2982Val (NM_001397473.1); c.14689A>G, p.Ile4897Val (NM_012090.5); short protein forms I6956V, I2982V, I4897V.
Identifiers: ClinVar variation 2042850 (VCV002042850.6), dbSNP rs12068423, ClinGen allele CA784482.